The following is an entry in ClinVar:

ClinVar aggregate classification (germline): Benign/Likely benign. Review status: criteria provided, multiple submitters, no conflicts (2 of 4 stars). 2 submissions from 2 submitters: Benign (1); Likely benign (1). Last evaluated 2026-01-31.

Conditions:
Autosomal recessive congenital ichthyosis 2 (ARCI2). Identifiers: Orphanet 281122, Orphanet 79394, MedGen C3888093, MONDO:0009439, OMIM 242100.

Allele frequency attached by ClinVar (database versions not stated): gnomAD 0.00035 and 0.00054; gnomAD exomes 0.00050 and 0.00108; TOPMed 0.00073; ExAC 0.00097; 1000 Genomes Project 0.00300; 1000 Genomes Project 30x 0.00344.
gnomAD v4.1: 828 of 1,614,124 alleles (0.051%); highest among the groups gnomAD compares: East Asian, 1.6%; 8 homozygotes.

Submissions (2):

Labcorp Genetics (formerly Invitae), Labcorp
Classification: Benign. Last evaluated: 2026-01-31. Review status: criteria provided, single submitter. Criteria: Invitae Variant Classification Sherloc (09022015). Collection method: clinical testing. Allele origin: germline.

Illumina Laboratory Services, Illumina
Classification: Likely benign for Autosomal recessive congenital ichthyosis 2. Last evaluated: 2018-01-12. Review status: criteria provided, single submitter. Criteria: ICSL Variant Classification Criteria 13 December 2019. Collection method: clinical testing. Allele origin: germline.
Comment: This variant was observed in the ICSL laboratory as part of a predisposition screen in an ostensibly healthy population. It had not been previously curated by ICSL or reported in the Human Gene Mutation Database (HGMD: prior to June 1st, 2018), and was therefore a candidate for classification through an automated scoring system. Utilizing variant allele frequency, disease prevalence and penetrance estimates, and inheritance mode, an automated score was calculated to assess if this variant is too frequent to cause the disease. Based on the score and internal cut-off values, a variant classified as likely benign is not then subjected to further curation. The score for this variant resulted in a classification of likely benign for this disease.

NM_001139.3(ALOX12B):c.1565C>T (p.Pro522Leu)

Gene: ALOX12B (arachidonate 12-lipoxygenase, 12R type; minus strand). Cytogenetic location: 17p13.1.
Variant type: single nucleotide variant.
Coding change: c.1565C>T on transcript NM_001139.3 (MANE Select); coding-DNA position 1565, C replaced by T.
Protein change: p.Pro522Leu; replaces proline 522 with leucine.
Molecular consequence: missense variant.
Genome position (GRCh38, 1-based): chr17:8,075,684, G>A on the plus strand (C>T on the coding strand, the complement: ALOX12B is on the minus strand). VCF-style: chr17-8075684-G-A. GRCh37 (hg19) VCF-style: chr17-7979002-G-A.
Other names: c.1565C>T, p.Pro522Leu (LRG_1264t1); short protein forms P522L.
Identifiers: ClinVar variation 325876 (VCV000325876.11), dbSNP rs150371678, ClinGen allele CA8367260.